The following is an entry in ClinVar:

ClinVar aggregate classification (germline): Uncertain significance (1 of 4 stars; one submission).

Submission:

Dasa
Classification: Uncertain significance. Last evaluated: 2025-05-30. Review status: criteria provided, single submitter. Criteria: DASA Assertion Criteria. Collection method: clinical testing. Allele origin: germline.
Comment: NM_006766.5(KAT6A):c.3997_4002dup (p.Glu1333_Glu1334dup) is an in-frame duplication predicted to duplicate amino acids from glutamic acid at protein position 1333 through glutamic acid at protein position 1334 without shifting the reading frame. This variant is absent from population databases. The currently available literature and clinical evidence are not sufficient to establish a definitive association between this variant and the reported condition. Therefore, this variant is classified as a variant of uncertain significance.

NM_006766.5(KAT6A):c.3997_4002dup (p.Glu1334_Gln1335insGluGlu)

Gene: KAT6A (lysine acetyltransferase 6A; minus strand). Cytogenetic location: 8p11.21.
Variant type: Duplication.
Coding change: c.3997_4002dup on transcript NM_006766.5 (MANE Select); coding-DNA positions 3997 to 4002, 6 bases duplicated (GAGGAA; older notation c.3997_4002dupGAGGAA).
Protein change: p.Glu1334_Gln1335insGluGlu.
Molecular consequence: inframe insertion.
Genome position (GRCh38, 1-based): chr8:41,934,218-41,934,223, TTCCTC duplicated on the plus strand (GAGGAA on the coding strand, the reverse complement: KAT6A is on the minus strand); duplicating any 6 consecutive bases within chr8:41,934,218-41,934,224 gives the same sequence; the c. name uses the placement nearest the transcript's 3' end. VCF-style (leftmost placement, unchanged base first): chr8-41934217-G-GTTCCTC. GRCh37 (hg19) VCF-style: chr8-41791735-G-GTTCCTC.
Identifiers: ClinVar variation 4884086 (VCV004884086.2).